The following is an entry in ClinVar:

NM_001903.5(CTNNA1):c.1818G>A (p.Met606Ile)

Gene: CTNNA1 (catenin alpha 1; plus strand). Cytogenetic location: 5q31.2.
Variant type: single nucleotide variant.
Coding change: c.1818G>A on transcript NM_001903.5 (MANE Select); coding-DNA position 1818, G replaced by A.
Protein change: p.Met606Ile; replaces methionine 606 with isoleucine.
Molecular consequence: missense variant.
Genome position (GRCh38, 1-based): chr5:138,925,326, G>A. VCF-style: chr5-138925326-G-A. GRCh37 (hg19) VCF-style: chr5-138261015-G-A.
Other names: c.1818G>A, p.Met606Ile (NM_001290307.3, NM_001323982.2, NM_001323983.1 and 2 more transcripts); c.1509G>A, p.Met503Ile (NM_001290309.3); c.1449G>A, p.Met483Ile (NM_001290310.3); c.708G>A, p.Met236Ile (NM_001290312.1, NM_001323987.1, NM_001323988.1 and 17 more transcripts); c.1725G>A, p.Met575Ile (NM_001323986.2); c.369G>A, p.Met123Ile (NM_001324006.1, NM_001324007.1, NM_001324008.1 and 2 more transcripts); c.615G>A, p.Met205Ile (NM_001324011.1); c.465G>A, p.Met155Ile (NM_001324012.1, NM_001324013.1); short protein forms M123I, M575I, M155I, M205I, M483I, M236I, M503I, M606I.
Identifiers: ClinVar variation 3498268 (VCV003498268.1).

ClinVar aggregate classification (germline): Uncertain significance (1 of 4 stars; one submission).

Conditions:
Hereditary cancer-predisposing syndrome. Also called: Tumor predisposition; Neoplastic Syndromes, Hereditary; Hereditary Cancer Syndrome; Hereditary neoplastic syndrome. Identifiers: Orphanet 140162, MedGen C0027672, MeSH D009386, MONDO:0015356.

Submission:

Ambry Genetics
Classification: Uncertain significance for Hereditary cancer-predisposing syndrome. Last evaluated: 2024-11-16. Review status: criteria provided, single submitter. Criteria: Ambry Variant Classification Scheme 2023. Collection method: clinical testing. Allele origin: germline.
Comment: The p.M606I variant (also known as c.1818G>A), located in coding exon 12 of the CTNNA1 gene, results from a G to A substitution at nucleotide position 1818. The methionine at codon 606 is replaced by isoleucine, an amino acid with highly similar properties. This amino acid position is conserved. In addition, this alteration is predicted to be tolerated by in silico analysis. Based on the available evidence, the clinical significance of this variant remains unclear.